The following is an entry in ClinVar:

NM_001142800.2(EYS):c.684C>A (p.Cys228Ter)

Gene: EYS (EGF-like photoreceptor maintenance factor; minus strand). Cytogenetic location: 6q12.
Variant type: single nucleotide variant.
Coding change: c.684C>A on transcript NM_001142800.2 (MANE Select); coding-DNA position 684, C replaced by A.
Protein change: p.Cys228Ter; replaces cysteine 228 with a stop codon.
Molecular consequence: nonsense.
Genome position (GRCh38, 1-based): chr6:65,494,727, G>T on the plus strand (C>A on the coding strand, the complement: EYS is on the minus strand). VCF-style: chr6-65494727-G-T. GRCh37 (hg19) VCF-style: chr6-66204620-G-T.
Other names: c.684C>A (NM_001142800.1); c.684C>A, p.Cys228Ter (NM_001142801.2, NM_001292009.2, NM_198283.2); short protein forms C228*.
Identifiers: ClinVar variation 1451133 (VCV001451133.9), dbSNP rs1312069480, ClinGen allele CA364789368.
Genomic context (GRCh38, chr6:65,494,727, plus strand): 5'-AAATGGTGGGTGACAGACACATTCATATGCTTGCTCATCCCAATTTTCTCTTTTATTAAT[G>T]CAACTGCCATTATTTTTACATGGTTTAAAAGAACATGCATCAAGTTCCTGGCAGTATTTT-3'

ClinVar aggregate classification (germline): Pathogenic/Likely pathogenic. Review status: criteria provided, multiple submitters, no conflicts (2 of 4 stars). 3 submissions from 3 submitters: Pathogenic (1); Likely pathogenic (2). Last evaluated 2025-06-17.

Conditions:
Retinitis pigmentosa 25 (RP25). Identifiers: Orphanet 791, MedGen C1864446, MONDO:0011272, OMIM 602772.

Allele frequency attached by ClinVar (database versions not stated): gnomAD exomes below 0.00001; gnomAD 0.00001.
gnomAD v4.1: 2 of 1,610,738 alleles (0.00012%); highest among the groups gnomAD compares: Non-Finnish European, 0.00017%; no homozygotes.

Submissions (3):

Labcorp Genetics (formerly Invitae), Labcorp
Classification: Pathogenic. Last evaluated: 2025-06-17. Review status: criteria provided, single submitter. Criteria: Invitae Variant Classification Sherloc (09022015). Collection method: clinical testing. Allele origin: germline.
Comment: This sequence change creates a premature translational stop signal (p.Cys228*) in the EYS gene. It is expected to result in an absent or disrupted protein product. Loss-of-function variants in EYS are known to be pathogenic (PMID: 18836446, 20333770). This variant is present in population databases (no rsID available, gnomAD 0.007%). This variant has not been reported in the literature in individuals affected with EYS-related conditions. ClinVar contains an entry for this variant (Variation ID: 1451133). For these reasons, this variant has been classified as Pathogenic.

Natera, Inc.
Classification: Likely pathogenic for Retinitis pigmentosa type 25. Last evaluated: 2024-09-16. Review status: criteria provided, single submitter. Criteria: Natera Variant Classification Schema (03/2026). Collection method: clinical testing. Allele origin: germline.
Comment: The c.684C>A variant in EYS is a nonsense variant predicted to introduce a stop codon at amino acid 228. This variant is expected to result in nonsense mediated decay, truncation, or a dysfunctional protein product. This variant is rare in the general population with a frequency below the threshold expected for the associated phenotype(s). Given the available evidence, this variant is classified as Likely Pathogenic.

Baylor Genetics
Classification: Likely pathogenic for Retinitis pigmentosa 25. Last evaluated: 2024-02-02. Review status: criteria provided, single submitter. Criteria: ACMG Guidelines, 2015. Collection method: clinical testing. Allele origin: unknown.

Literature cited by the submitters: PubMed 18836446 (cited by Labcorp Genetics (formerly Invitae), Labcorp); PubMed 20333770 (cited by Labcorp Genetics (formerly Invitae), Labcorp).